The following is an entry in ClinVar:

ClinVar aggregate classification (germline): Uncertain significance (1 of 4 stars; one submission).

gnomAD v4.1: 9 of 1,594,566 alleles (0.00056%); highest among the groups gnomAD compares: South Asian, 0.0056%; no homozygotes.

Submission:

Ambry Genetics
Classification: Uncertain significance. Last evaluated: 2025-04-16. Review status: criteria provided, single submitter. Criteria: Ambry Variant Classification Scheme 2023. Collection method: clinical testing. Allele origin: germline.
Comment: The p.L1005F variant (also known as c.3013C>T), located in coding exon 11 of the WNK2 gene, results from a C to T substitution at nucleotide position 3013. The leucine at codon 1005 is replaced by phenylalanine, an amino acid with highly similar properties. This amino acid position is conserved. In addition, this alteration is predicted to be tolerated by in silico analysis. Based on the available evidence, the clinical significance of this variant remains unclear.

NM_006648.4(WNK2):c.3013C>T (p.Leu1005Phe)

Gene: WNK2 (WNK lysine deficient protein kinase 2; plus strand). Cytogenetic location: 9q22.31.
Variant type: single nucleotide variant.
Coding change: c.3013C>T on transcript NM_006648.4 (MANE Select); coding-DNA position 3013, C replaced by T.
Protein change: p.Leu1005Phe; replaces leucine 1005 with phenylalanine.
Molecular consequence: missense variant.
Genome position (GRCh38, 1-based): chr9:93,259,561, C>T. VCF-style: chr9-93259561-C-T. GRCh37 (hg19) VCF-style: chr9-96021843-C-T.
Other names: c.3013C>T, p.Leu1005Phe (NM_001282394.3); short protein forms L1005F.
Identifiers: ClinVar variation 3470741 (VCV003470741.2).